The following is an entry in ClinVar:

ClinVar aggregate classification (germline): Likely benign (0 of 4 stars; one submission).

Conditions:
TP53BP2-related disorder. Also called: TP53BP2-related condition.

Allele frequency attached by ClinVar (database versions not stated): ESP Exome Variant Server 0.00046; TOPMed 0.00065; gnomAD 0.00090; 1000 Genomes Project 30x 0.00109; 1000 Genomes Project 0.00120; gnomAD exomes 0.00125; ExAC 0.00160.

Submission:

PreventionGenetics, part of Exact Sciences
Classification: Likely benign for TP53BP2-related condition. Last evaluated: 2019-02-22. Review status: no assertion criteria provided. Collection method: clinical testing. Allele origin: germline.
Comment: This variant is classified as likely benign based on ACMG/AMP sequence variant interpretation guidelines (Richards et al. 2015 PMID: 25741868, with internal and published modifications).

NM_001031685.3(TP53BP2):c.1089T>G (p.Pro363=)

Gene: TP53BP2 (tumor protein p53 binding protein 2; minus strand). Cytogenetic location: 1q41.
Variant type: single nucleotide variant.
Coding change: c.1089T>G on transcript NM_001031685.3 (MANE Select); coding-DNA position 1089, T replaced by G.
Protein change: p.Pro363=; no amino-acid change (proline 363 retained).
Molecular consequence: synonymous variant.
Genome position (GRCh38, 1-based): chr1:223,802,252, A>C on the plus strand (T>G on the coding strand, the complement: TP53BP2 is on the minus strand). VCF-style: chr1-223802252-A-C. GRCh37 (hg19) VCF-style: chr1-223989954-A-C.
Other names: c.702T>G, p.Pro234= (NM_005426.3).
Identifiers: ClinVar variation 3045810 (VCV003045810.2), dbSNP rs139346766, ClinGen allele CA1412907.